The following is an entry in ClinVar:

NM_004260.4(RECQL4):c.1699C>G (p.Gln567Glu)

Gene: RECQL4 (RecQ like helicase 4; minus strand). Cytogenetic location: 8q24.3.
Variant type: single nucleotide variant.
Coding change: c.1699C>G on transcript NM_004260.4 (MANE Select); coding-DNA position 1699, C replaced by G.
Protein change: p.Gln567Glu; replaces glutamine 567 with glutamic acid.
Molecular consequence: missense variant. On other transcripts: non-coding transcript variant (3).
Genome position (GRCh38, 1-based): chr8:144,514,447, G>C on the plus strand (C>G on the coding strand, the complement: RECQL4 is on the minus strand). VCF-style: chr8-144514447-G-C. GRCh37 (hg19) VCF-style: chr8-145739831-G-C.
Other names: c.628C>G, p.Gln210Glu (NM_001413035.1, NM_001413037.1, NM_001413038.1 and 7 more transcripts); c.1699C>G, p.Gln567Glu (NM_001413036.1, NM_001413018.1, NM_001413019.1 and 1 more transcripts); c.1669C>G, p.Gln557Glu (NM_001413039.1); c.562C>G, p.Gln188Glu (NM_001413041.1, NM_001413027.1, NM_001413030.1 and 2 more transcripts); c.598C>G, p.Gln200Glu (NM_001413042.1); c.232C>G, p.Gln78Glu (NM_001413043.1); c.1603C>G, p.Gln535Glu (NM_001413017.1, NM_001413020.1); c.1570C>G, p.Gln524Glu (NM_001413025.1); and 1 more; short protein forms Q567E, Q78E, Q450E, Q535E, Q210E, Q557E, Q188E, Q200E.
Identifiers: ClinVar variation 4628969 (VCV004628969.1).
Genomic context (GRCh38, chr8:144,514,447, plus strand): 5'-CAGCCCAGGTGCCCGCCCGCTGCCTCCCTCACCCCTAGGCCCATGAGGCCCCCACCTTCT[G>C]CAGGACAGATTCCCGTTGCTTCCTGGTCATGCCCGAGTGTATGCAGGCCGCCTTGAGACA-3'
Protein context (NP_004251.4, residues 557-577): MTRKQRESVL[Gln567Glu]KIRAAQVHVL

ClinVar aggregate classification (germline): Uncertain significance (1 of 4 stars; one submission).

Conditions:
Inborn genetic diseases. Identifiers: MedGen C0950123, MeSH D030342.

Submission:

Ambry Genetics
Classification: Uncertain significance for Inborn genetic diseases. Last evaluated: 2025-11-10. Review status: criteria provided, single submitter. Criteria: Ambry Variant Classification Scheme 2023. Collection method: clinical testing. Allele origin: germline.
Comment: The p.Q567E variant (also known as c.1699C>G), located in coding exon 10 of the RECQL4 gene, results from a C to G substitution at nucleotide position 1699. The glutamine at codon 567 is replaced by glutamic acid, an amino acid with highly similar properties. This amino acid position is conserved. In addition, this alteration is predicted to be tolerated by in silico analysis. Based on the available evidence, the clinical significance of this variant remains unclear.